The following is an entry in ClinVar:

NM_020070.4(IGLL1):c.118C>T (p.Arg40Cys)

Gene: IGLL1 (immunoglobulin lambda like polypeptide 1; minus strand). Cytogenetic location: 22q11.23.
Variant type: single nucleotide variant.
Coding change: c.118C>T on transcript NM_020070.4 (MANE Select); coding-DNA position 118, C replaced by T.
Protein change: p.Arg40Cys; replaces arginine 40 with cysteine.
Molecular consequence: missense variant.
Genome position (GRCh38, 1-based): chr22:23,580,073, G>A on the plus strand (C>T on the coding strand, the complement: IGLL1 is on the minus strand). VCF-style: chr22-23580073-G-A. GRCh37 (hg19) VCF-style: chr22-23922260-G-A.
Other names: c.118C>T (NM_020070.2); c.118C>T, p.Arg40Cys (NM_001369906.1, NM_152855.3); short protein forms R40C.
Identifiers: ClinVar variation 840747 (VCV000840747.12), dbSNP rs199529532, ClinGen allele CA10143425.

ClinVar aggregate classification (germline): Uncertain significance. Review status: criteria provided, multiple submitters, no conflicts (2 of 4 stars). 4 submissions from 4 submitters: Uncertain significance (4). Last evaluated 2026-02-01.

Conditions:
Agammaglobulinemia 2, autosomal recessive (AGM2). Also called: AGAMMAGLOBULINEMIA, AUTOSOMAL RECESSIVE, DUE TO IGLL1 DEFECT. Identifiers: MedGen C3150750, MONDO:0013287, OMIM 613500.

Allele frequency attached by ClinVar (database versions not stated): gnomAD 0.00005; TOPMed 0.00008; ExAC 0.00012; ESP Exome Variant Server 0.00016.
gnomAD v4.1: 130 of 1,572,100 alleles (0.0083%); highest among the groups gnomAD compares: Non-Finnish European, 0.01%; 1 homozygote.

Submissions (4):

Labcorp Genetics (formerly Invitae), Labcorp
Classification: Uncertain significance for Agammaglobulinemia 2, autosomal recessive. Last evaluated: 2026-02-01. Review status: criteria provided, single submitter. Criteria: Invitae Variant Classification Sherloc (09022015). Collection method: clinical testing. Allele origin: germline.
Comment: This sequence change replaces arginine, which is basic and polar, with cysteine, which is neutral and slightly polar, at codon 40 of the IGLL1 protein (p.Arg40Cys). The frequency data for this variant in the population databases is considered unreliable, as metrics indicate poor data quality at this position in the gnomAD database. This variant has not been reported in the literature in individuals affected with IGLL1-related conditions. ClinVar contains an entry for this variant (Variation ID: 840747). An algorithm developed to predict the effect of missense changes on protein structure and function (PolyPhen-2) suggests that this variant is likely to be tolerated. In summary, the available evidence is currently insufficient to determine the role of this variant in disease. Therefore, it has been classified as a Variant of Uncertain Significance.

Ambry Genetics
Classification: Uncertain significance. Last evaluated: 2025-05-29. Review status: criteria provided, single submitter. Criteria: Ambry Variant Classification Scheme 2023. Collection method: clinical testing. Allele origin: germline.

Blueprint Genetics
Classification: Uncertain significance. Last evaluated: 2024-06-14. Review status: criteria provided, single submitter. Criteria: ACMG Guidelines, 2015. Collection method: clinical testing. Allele origin: germline.

Fulgent Genetics
Classification: Uncertain significance for Agammaglobulinemia 2, autosomal recessive. Last evaluated: 2021-07-11. Review status: criteria provided, single submitter. Criteria: ACMG Guidelines, 2015. Collection method: clinical testing. Allele origin: unknown.